The following is an entry in ClinVar:

NM_022455.5(NSD1):c.6736C>T (p.Gln2246Ter)

Gene: NSD1 (nuclear receptor binding SET domain protein 1; plus strand). Cytogenetic location: 5q35.3.
Variant type: single nucleotide variant.
Coding change: c.6736C>T on transcript NM_022455.5 (MANE Select); coding-DNA position 6736, C replaced by T.
Protein change: p.Gln2246Ter; replaces glutamine 2246 with a stop codon.
Molecular consequence: nonsense.
Genome position (GRCh38, 1-based): chr5:177,294,104, C>T. VCF-style: chr5-177294104-C-T. GRCh37 (hg19) VCF-style: chr5-176721105-C-T.
Other names: c.5863C>T, p.Gln1955Ter (NM_172349.5, NM_001365684.2, NM_001409308.1); c.6736C>T, p.Gln2246Ter (NM_001409301.1, NM_001409302.1, NM_001409303.1); c.6316C>T, p.Gln2106Ter (NM_001409304.1); c.5983C>T, p.Gln1995Ter (NM_001409305.1); c.5974C>T, p.Gln1992Ter (NM_001409306.1, NM_001409307.1); c.5614C>T, p.Gln1872Ter (NM_001409309.1); short protein forms Q1872*, Q1955*, Q1992*, Q1995*, Q2106*, Q2246*.
Identifiers: ClinVar variation 4861211 (VCV004861211.1).
Genomic context (GRCh38, chr5:177,294,104, plus strand): 5'-GTACCGCTGCCTCCAGGGCCAAGCACTCACCTGGCAGAGCAATCAACAGGAATGGCTGCT[C>T]AGGCACCCAAAATGTCAGATAAACCTCCTGCTGACACCAACCAGATGCTGTCGCTCTCCA-3'

ClinVar aggregate classification (germline): Likely pathogenic (1 of 4 stars; one submission).

Conditions:
Inborn genetic diseases. Identifiers: MedGen C0950123, MeSH D030342.

Submission:

Ambry Genetics
Classification: Likely pathogenic for Inborn genetic diseases. Last evaluated: 2026-06-04. Review status: criteria provided, single submitter. Criteria: Ambry Variant Classification Scheme 2023. Collection method: clinical testing. Allele origin: germline.
Comment: The c.6736C>T (p.Q2246*) alteration, located in exon 23 (coding exon 22) of the NSD1 gene, consists of a C to T substitution at nucleotide position 6736. This changes the amino acid from a glutamine (Q) to a stop codon at amino acid position 2246. This variant is not expected to trigger nonsense-mediated mRNA decay, and impacts the last 20.4%of the protein. However, premature stop codons are typically deleterious in nature, the impacted region is critical for protein function, and a significant portion of the protein is affected (Ambry internal data). This variant was not reported in population-based cohorts in the Genome Aggregation Database (gnomAD). Based on the available evidence, this alteration is classified as likely pathogenic.